The following is an entry in ClinVar:

ClinVar aggregate classification (germline): Uncertain significance (1 of 4 stars; one submission).

gnomAD v4.1: 7 of 1,608,014 alleles (0.00044%); highest among the groups gnomAD compares: Non-Finnish European, 0.00059%; no homozygotes.

Submission:

Labcorp Genetics (formerly Invitae), Labcorp
Classification: Uncertain significance. Last evaluated: 2025-03-05. Review status: criteria provided, single submitter. Criteria: Invitae Variant Classification Sherloc (09022015). Collection method: clinical testing. Allele origin: germline.
Comment: This sequence change affects an acceptor splice site in intron 12 of the TRAP1 gene. It is expected to disrupt RNA splicing. Variants that disrupt the donor or acceptor splice site typically lead to a loss of protein function (PMID: 16199547), however the current clinical and genetic evidence is not sufficient to establish whether loss-of-function variants in TRAP1 cause disease. This variant is present in population databases (no rsID available, gnomAD 0.001%). This variant has not been reported in the literature in individuals affected with TRAP1-related conditions. Algorithms developed to predict the effect of sequence changes on RNA splicing suggest that this variant may disrupt the consensus splice site. In summary, the available evidence is currently insufficient to determine the role of this variant in disease. Therefore, it has been classified as a Variant of Uncertain Significance.

Literature cited by the submitters: PubMed 16199547.

NM_016292.3(TRAP1):c.1384-1G>A

Genes: DNASE1 (deoxyribonuclease 1; plus strand), TRAP1 (TNF receptor associated protein 1; minus strand). Cytogenetic location: 16p13.3.
Variant type: single nucleotide variant.
Coding change: c.1384-1G>A on transcript NM_016292.3 (MANE Select); the canonical splice acceptor site of the intron before coding-DNA position 1384, G replaced by A.
Molecular consequence: splice acceptor variant. On other transcripts: 3 prime UTR variant (1).
Genome position (GRCh38, 1-based): chr16:3,664,460, C>T on the plus strand (G>A on the coding strand, the complement: TRAP1 is on the minus strand). VCF-style: chr16-3664460-C-T. GRCh37 (hg19) VCF-style: chr16-3714461-C-T.
Other names: c.*1836C>T (NM_001387140.1); c.1225-1G>A (NM_001272049.2).
Identifiers: ClinVar variation 4698965 (VCV004698965.1).